The following is an entry in ClinVar:

NM_001042492.3(NF1):c.61-24456G>T

Gene: NF1 (neurofibromin 1; plus strand). Cytogenetic location: 17q11.2.
Variant type: single nucleotide variant.
Coding change: c.61-24456G>T on transcript NM_001042492.3 (MANE Select); 24456 bases into the intron before coding-DNA position 61, G replaced by T.
Molecular consequence: intron variant.
Genome position (GRCh38, 1-based): chr17:31,131,527, G>T. VCF-style: chr17-31131527-G-T. GRCh37 (hg19) VCF-style: chr17-29458545-G-T.
Other names: c.61-24456G>T (NM_000267.4, NM_001128147.3).
Identifiers: ClinVar variation 3765663 (VCV003765663.1).

ClinVar aggregate classification (germline): Uncertain significance (1 of 4 stars; one submission).

Submission:

Greenwood Genetic Center Diagnostic Laboratories, Greenwood Genetic Center
Classification: Uncertain significance. Last evaluated: 2024-09-24. Review status: criteria provided, single submitter. Criteria: ACMG Guidelines, 2015. Collection method: clinical testing. Allele origin: germline. Affected: yes.
Comment: PM2, BP4